The following is an entry in ClinVar:

NM_022168.4(IFIH1):c.25G>A (p.Glu9Lys)

Gene: IFIH1 (interferon induced with helicase C domain 1; minus strand). Cytogenetic location: 2q24.2.
Variant type: single nucleotide variant.
Coding change: c.25G>A on transcript NM_022168.4 (MANE Select); coding-DNA position 25, G replaced by A.
Protein change: p.Glu9Lys; replaces glutamic acid 9 with lysine.
Molecular consequence: missense variant.
Genome position (GRCh38, 1-based): chr2:162,318,283, C>T on the plus strand (G>A on the coding strand, the complement: IFIH1 is on the minus strand). VCF-style: chr2-162318283-C-T. GRCh37 (hg19) VCF-style: chr2-163174793-C-T.
Other names: c.25G>A (NM_022168.2); short protein forms E9K.
Identifiers: ClinVar variation 938855 (VCV000938855.8), dbSNP rs375179358, ClinGen allele CA1934903.
Genomic context (GRCh38, chr2:162,318,283, plus strand): 5'-CCACCTGGATGTACATTTTCACCCTGGCCCTGAAGCACGAGATGAGATAGCGGAAATTCT[C>T]GTCTGTGGAATACCCATTCGACATCTTTCTTTCTCAGAGAAGGGAGAGGGTTCTCCCAAG-3'
Protein context (NP_071451.2, residues 1-19): MSNGYSTD[Glu9Lys]NFRYLISCFR

ClinVar aggregate classification (germline): Conflicting classifications of pathogenicity. Review status: criteria provided, conflicting classifications (1 of 4 stars). 2 submissions from 2 submitters: Uncertain significance (1); Likely benign (1). Last evaluated 2025-12-03.

Conditions:
Aicardi-Goutieres syndrome 7 (AGS7). Identifiers: Orphanet 51, MedGen C3888244, MONDO:0014367, OMIM 615846.
Singleton-Merten syndrome 1 (SGMRT1). Also called: Widened medullary cavities of bone, aortic calcification, abnormal dentition, and muscular weakness; Syndrome of widened medullary cavities of the metacarpals and phalanges, aortic calcification and abnormal dentition. Identifiers: Orphanet 85191, MedGen C4225427, MONDO:0024535, OMIM 182250.
Inborn genetic diseases. Identifiers: MedGen C0950123, MeSH D030342.

Allele frequency attached by ClinVar (database versions not stated): gnomAD 0.00001; ExAC 0.00002; gnomAD exomes 0.00002; TOPMed 0.00003; ESP Exome Variant Server 0.00008.
gnomAD v4.1: 53 of 1,613,648 alleles (0.0033%); highest among the groups gnomAD compares: East Asian, 0.0067%; no homozygotes.

Submissions (2):

Labcorp Genetics (formerly Invitae), Labcorp
Classification: Uncertain significance for Aicardi-Goutieres syndrome 7; Singleton-Merten syndrome 1. Last evaluated: 2025-12-03. Review status: criteria provided, single submitter. Criteria: Invitae Variant Classification Sherloc (09022015). Collection method: clinical testing. Allele origin: germline.
Comment: This sequence change replaces glutamic acid, which is acidic and polar, with lysine, which is basic and polar, at codon 9 of the IFIH1 protein (p.Glu9Lys). This variant is present in population databases (rs375179358, gnomAD 0.02%). This variant has not been reported in the literature in individuals affected with IFIH1-related conditions. ClinVar contains an entry for this variant (Variation ID: 938855). Invitae Evidence Modeling incorporating data from in vitro experimental studies (internal data) indicates that this missense variant is not expected to disrupt IFIH1 function with a negative predictive value of 80%. In summary, the available evidence is currently insufficient to determine the role of this variant in disease. Therefore, it has been classified as a Variant of Uncertain Significance.

Ambry Genetics
Classification: Likely benign for Inborn genetic diseases. Last evaluated: 2025-09-01. Review status: criteria provided, single submitter. Criteria: Ambry Variant Classification Scheme 2023. Collection method: clinical testing. Allele origin: germline.